The following is an entry in ClinVar:

ClinVar aggregate classification (germline): Likely benign (1 of 4 stars; one submission).

Allele frequency attached by ClinVar (database versions not stated): 1000 Genomes Project 0.00040; 1000 Genomes Project 30x 0.00047; gnomAD exomes 0.00059; gnomAD 0.00072; ESP Exome Variant Server 0.00077; TOPMed 0.00093; ExAC 0.00112.
gnomAD v4.1: 1,015 of 1,602,414 alleles (0.063%); highest among the groups gnomAD compares: South Asian, 0.29%; 3 homozygotes.

Submission:

CeGaT Center for Human Genetics Tuebingen
Classification: Likely benign. Last evaluated: 2022-07-01. Review status: criteria provided, single submitter. Criteria: CeGaT Center For Human Genetics Tuebingen Variant Classification Criteria Version 2. Collection method: clinical testing. Allele origin: germline. Affected: yes. Observed: 1 variant allele.
Comment: ZNF233: BP4

NM_001207005.2(ZNF233):c.274G>A (p.Glu92Lys)

Gene: ZNF233 (zinc finger protein 233; plus strand). Cytogenetic location: 19q13.31.
Variant type: single nucleotide variant.
Coding change: c.274G>A on transcript NM_001207005.2 (MANE Select); coding-DNA position 274, G replaced by A.
Protein change: p.Glu92Lys; replaces glutamic acid 92 with lysine.
Molecular consequence: missense variant. On other transcripts: 3 prime UTR variant (1).
Genome position (GRCh38, 1-based): chr19:44,272,934, G>A. VCF-style: chr19-44272934-G-A. GRCh37 (hg19) VCF-style: chr19-44777087-G-A.
Other names: c.*34G>A (NM_001330529.2); c.274G>A, p.Glu92Lys (NM_181756.3); short protein forms E92K.
Identifiers: ClinVar variation 2650078 (VCV002650078.24), dbSNP rs140047619, ClinGen allele CA9498565.
Genomic context (GRCh38, chr19:44,272,934, plus strand): 5'-TTCTGAGTTCTCTTTATCATTCTAGGACACAAGAATCAAAATGAGATAGATACCCTTCAA[G>A]AAGTAAGATTAAGATTCCTTTCATATGAAGACCTTATATGCTGGCAAATATGGGAACAAT-3'
Protein context (NP_001193934.1, residues 82-102): KNQNEIDTLQ[Glu92Lys]VRLRFLSYED